The following is an entry in ClinVar:

ClinVar aggregate classification (germline): Uncertain significance (1 of 4 stars; one submission).

Conditions:
Inborn genetic diseases. Identifiers: MedGen C0950123, MeSH D030342.

Submission:

Ambry Genetics
Classification: Uncertain significance for Inborn genetic diseases. Last evaluated: 2026-08-28. Review status: criteria provided, single submitter. Criteria: Ambry Variant Classification Scheme 2023. Collection method: clinical testing. Allele origin: germline.
Comment: The p.A179V variant (also known as c.536C>T), located in coding exon 1 of the SH2B3 gene, results from a C to T substitution at nucleotide position 536. The alanine at codon 179 is replaced by valine, an amino acid with similar properties. This amino acid position is conserved. In addition, this alteration is predicted to be tolerated by in silico analysis. Based on the available evidence, the clinical significance of this variant remains unclear.

NM_005475.3(SH2B3):c.536C>T (p.Ala179Val)

Gene: SH2B3 (SH2B adaptor protein 3; plus strand). Cytogenetic location: 12q24.12.
Variant type: single nucleotide variant.
Coding change: c.536C>T on transcript NM_005475.3 (MANE Select); coding-DNA position 536, C replaced by T.
Protein change: p.Ala179Val; replaces alanine 179 with valine.
Molecular consequence: missense variant.
Genome position (GRCh38, 1-based): chr12:111,418,681, C>T. VCF-style: chr12-111418681-C-T. GRCh37 (hg19) VCF-style: chr12-111856485-C-T.
Other names: short protein forms A179V.
Identifiers: ClinVar variation 5029513 (VCV005029513.1).